The following is an entry in ClinVar:

NM_130384.3(ATRIP):c.1378G>A (p.Val460Ile)

Genes: ATRIP (ATR interacting protein; plus strand), ATRIP-TREX1 (ATRIP-TREX1 readthrough; plus strand). Cytogenetic location: 3p21.31.
Variant type: single nucleotide variant.
Coding change: c.1378G>A on transcript NM_130384.3 (MANE Select); coding-DNA position 1378, G replaced by A.
Protein change: p.Val460Ile; replaces valine 460 with isoleucine.
Molecular consequence: missense variant. On other transcripts: non-coding transcript variant (1).
Genome position (GRCh38, 1-based): chr3:48,460,432, G>A. VCF-style: chr3-48460432-G-A. GRCh37 (hg19) VCF-style: chr3-48501831-G-A.
Other names: c.997G>A, p.Val333Ile (NM_001271022.2); c.1099G>A, p.Val367Ile (NM_001271023.2); c.1378G>A, p.Val460Ile (NM_032166.4); short protein forms V367I, V460I, V333I.
Identifiers: ClinVar variation 2381193 (VCV002381193.3), dbSNP rs555684267, ClinGen allele CA2376192.

ClinVar aggregate classification (germline): Uncertain significance (1 of 4 stars; one submission).

Allele frequency attached by ClinVar (database versions not stated): gnomAD exomes 0.00001; TOPMed 0.00001; gnomAD 0.00003; ExAC 0.00005.
gnomAD v4.1: 21 of 1,612,518 alleles (0.0013%); highest among the groups gnomAD compares: Admixed American, 0.0067%; no homozygotes.

Submission:

Ambry Genetics
Classification: Uncertain significance. Last evaluated: 2024-11-30. Review status: criteria provided, single submitter. Criteria: Ambry Variant Classification Scheme 2023. Collection method: clinical testing. Allele origin: germline.
Comment: The p.V460I variant (also known as c.1378G>A), located in coding exon 8 of the ATRIP gene, results from a G to A substitution at nucleotide position 1378. The valine at codon 460 is replaced by isoleucine, an amino acid with highly similar properties. This amino acid position is conserved. In addition, this alteration is predicted to be tolerated by in silico analysis. Based on the available evidence, the clinical significance of this variant remains unclear.